The following is an entry in ClinVar:

NM_001457.4(FLNB):c.3078C>T (p.Pro1026=)

Gene: FLNB (filamin B; plus strand). Cytogenetic location: 3p14.3.
Variant type: single nucleotide variant.
Coding change: c.3078C>T on transcript NM_001457.4 (MANE Select); coding-DNA position 3078, C replaced by T.
Protein change: p.Pro1026=; no amino-acid change (proline 1026 retained).
Molecular consequence: synonymous variant.
Genome position (GRCh38, 1-based): chr3:58,121,455, C>T. VCF-style: chr3-58121455-C-T. GRCh37 (hg19) VCF-style: chr3-58107182-C-T.
Other names: c.3078C>T, p.Pro1026= (NM_001164317.2, NM_001164318.2, NM_001164319.2).
Identifiers: ClinVar variation 258104 (VCV000258104.25), dbSNP rs147267045, ClinGen allele CA2468319.

ClinVar aggregate classification (germline): Benign/Likely benign. Review status: criteria provided, multiple submitters, no conflicts (2 of 4 stars). 7 submissions from 7 submitters: Benign (6); Likely benign (1). Last evaluated 2026-08-01.

Conditions:
Connective tissue disorder. Also called: Connective tissue disease. Identifiers: MedGen C0009782, MONDO:0003900.

Allele frequency attached by ClinVar (database versions not stated): gnomAD exomes 0.00055 and 0.00109; ExAC 0.00111; 1000 Genomes Project 30x 0.00281; 1000 Genomes Project 0.00319; gnomAD 0.00417 and 0.00465; ESP Exome Variant Server 0.00469; TOPMed 0.00519.
gnomAD v4.1: 1,466 of 1,614,110 alleles (0.091%); highest among the groups gnomAD compares: African/African-American, 1.4%; 7 homozygotes.

Submissions (7):

CeGaT Center for Human Genetics Tuebingen
Classification: Likely benign. Last evaluated: 2026-08-01. Review status: criteria provided, single submitter. Criteria: CeGaT Center For Human Genetics Tuebingen Variant Classification Criteria Version 2. Collection method: clinical testing. Allele origin: germline. Affected: yes. Observed: 1 variant allele.
Comment: FLNB: BP4, BP7, BS1

Labcorp Genetics (formerly Invitae), Labcorp
Classification: Benign. Last evaluated: 2026-01-18. Review status: criteria provided, single submitter. Criteria: Invitae Variant Classification Sherloc (09022015). Collection method: clinical testing. Allele origin: germline.

Blueprint Genetics
Classification: Benign. Last evaluated: 2024-09-02. Review status: criteria provided, single submitter. Criteria: ACMG Guidelines, 2015. Collection method: clinical testing. Allele origin: germline.

ARUP Laboratories, Molecular Genetics and Genomics, ARUP Laboratories
Classification: Benign. Last evaluated: 2023-08-09. Review status: criteria provided, single submitter. Criteria: ARUP Molecular Germline Variant Investigation Process 2024. Collection method: clinical testing. Allele origin: germline.

Genome Diagnostics Laboratory, The Hospital for Sick Children
Classification: Benign for Connective tissue disorder. Last evaluated: 2021-06-18. Review status: criteria provided, single submitter. Criteria: ACMG Guidelines, 2015. Collection method: clinical testing. Allele origin: germline.

GeneDx
Classification: Benign. Last evaluated: 2018-03-28. Review status: criteria provided, single submitter. Criteria: GeneDx Variant Classification (06012015). Collection method: clinical testing. Allele origin: germline. Affected: yes.
Comment: This variant is considered likely benign or benign based on one or more of the following criteria: it is a conservative change, it occurs at a poorly conserved position in the protein, it is predicted to be benign by multiple in silico algorithms, and/or has population frequency not consistent with disease.

PreventionGenetics, part of Exact Sciences
Classification: Benign. Review status: criteria provided, single submitter. Criteria: ACMG Guidelines, 2015. Collection method: clinical testing. Allele origin: germline.